The following is an entry in ClinVar:

ClinVar aggregate classification (germline): Pathogenic (1 of 4 stars; one submission).

Conditions:
Renal cysts and diabetes syndrome (RCAD). Also called: Familial hypoplastic, glomerulocystic kidney; MATURITY-ONSET DIABETES OF THE YOUNG, TYPE 5. Identifiers: Orphanet 93111, MedGen C0431693, MONDO:0007669, OMIM 137920.

Submission:

Institute of Human Genetics, FAU Erlangen, Friedrich-Alexander-Universität Erlangen-Nürnberg
Classification: Pathogenic for Renal cysts and diabetes syndrome. Last evaluated: 2019-07-06. Review status: criteria provided, single submitter. Criteria: ACMG Guidelines, 2015. Collection method: literature only. Allele origin: germline. Affected: yes.
Comment: This variant and it's classification has been reported by Vasileiou et al. 2019; DOI:10.1101/576918. The variants has previously been reported in PMID:25700310; PMID:23539225; PMID:25536396 as "c.487delC; c.487delC" with clinical significance Pathogenic. It has been re-classified using InterVar and manual curation as Pathogenic based on PVS1 PM2 PP3.

Literature cited by the submitters: PubMed 25700310; PubMed 23539225; PubMed 25536396; DOI 10.1101/576918.

NM_000458.4(HNF1B):c.487del (p.Gln163fs)

Gene: HNF1B (HNF1 homeobox B; minus strand). Cytogenetic location: 17q12.
Variant type: Deletion.
Coding change: c.487del on transcript NM_000458.4 (MANE Select); coding-DNA position 487, one base deleted (C; older notation c.487delC).
Protein change: p.Gln163fs; shifts the reading frame from glutamine 163.
Molecular consequence: frameshift variant.
Genome position (GRCh38, 1-based): chr17:37,739,497, G deleted on the plus strand (C on the coding strand, the reverse complement: HNF1B is on the minus strand); the first of 3 consecutive G bases (chr17:37,739,497-37,739,499); deleting any one gives the same sequence. VCF-style (leftmost placement, unchanged base first): chr17-37739496-TG-T. GRCh37 (hg19) VCF-style: chr17-36099487-TG-T.
Other names: c.487del, p.Gln163fs (NM_001165923.4, NM_001304286.2); short protein forms Q163fs.
Identifiers: ClinVar variation 635686 (VCV000635686.1), dbSNP rs2511828657, ClinGen allele CA913190791.